The following is an entry in ClinVar:

NM_005262.3(GFER):c.601G>A (p.Asp201Asn)

Gene: GFER (growth factor, augmenter of liver regeneration; plus strand). Cytogenetic location: 16p13.3.
Variant type: single nucleotide variant.
Coding change: c.601G>A on transcript NM_005262.3 (MANE Select); coding-DNA position 601, G replaced by A.
Protein change: p.Asp201Asn; replaces aspartic acid 201 with asparagine.
Molecular consequence: missense variant.
Genome position (GRCh38, 1-based): chr16:1,986,011, G>A. VCF-style: chr16-1986011-G-A. GRCh37 (hg19) VCF-style: chr16-2036012-G-A.
Other names: short protein forms D201N.
Identifiers: ClinVar variation 1201370 (VCV001201370.4), dbSNP rs142042300, ClinGen allele CA7826105.
Genomic context (GRCh38, chr16:1,986,011, plus strand): 5'-CTGGGCAAGCCTGACTTCGACTGCTCAAAAGTGGATGAGCGCTGGCGCGACGGCTGGAAG[G>A]ATGGCTCCTGTGACTAGAGGGTGGTCAGCCAGAGCTCATGGGACAGCTAGCCAGGCATGG-3'
Protein context (NP_005253.3, residues 191-205): VDERWRDGWK[Asp201Asn]GSCD

ClinVar aggregate classification (germline): Uncertain significance. Review status: criteria provided, multiple submitters, no conflicts (2 of 4 stars). 2 submissions from 2 submitters: Uncertain significance (2). Last evaluated 2022-06-23.

Conditions:
Congenital cataract-progressive muscular hypotonia-hearing loss-developmental delay syndrome. Also called: Myopathy with cataract and combined respiratory-chain deficiency; MITOCHONDRIAL COMPLEX DEFICIENCY, COMBINED. Identifiers: Orphanet 330054, MedGen C2751320, MONDO:0013116, OMIM 613076.

Allele frequency attached by ClinVar (database versions not stated): gnomAD 0.00001 and 0.00005; ESP Exome Variant Server 0.00008; TOPMed 0.00001.

Submissions (2):

Department of Pathology and Laboratory Medicine, Sinai Health System
Classification: Uncertain significance for Congenital cataract-progressive muscular hypotonia-hearing loss-developmental delay syndrome. Last evaluated: 2022-06-23. Review status: criteria provided, single submitter. Criteria: ACMG Guidelines, 2015. Collection method: research. Allele origin: germline.

GeneDx
Classification: Uncertain significance. Last evaluated: 2021-06-25. Review status: criteria provided, single submitter. Criteria: GeneDx Variant Classification Process June 2021. Collection method: clinical testing. Allele origin: germline. Affected: yes.
Comment: In silico analysis supports that this missense variant has a deleterious effect on protein structure/function; Has not been previously published as pathogenic or benign to our knowledge